The following is an entry in ClinVar:

NM_007194.4(CHEK2):c.1462G>A (p.Asp488Asn)

Gene: CHEK2 (checkpoint kinase 2; minus strand). Cytogenetic location: 22q12.1.
Variant type: single nucleotide variant.
Coding change: c.1462G>A on transcript NM_007194.4 (MANE Select); coding-DNA position 1462, G replaced by A.
Protein change: p.Asp488Asn; replaces aspartic acid 488 with asparagine.
Molecular consequence: missense variant.
Genome position (GRCh38, 1-based): chr22:28,689,215, C>T on the plus strand (G>A on the coding strand, the complement: CHEK2 is on the minus strand). VCF-style: chr22-28689215-C-T. GRCh37 (hg19) VCF-style: chr22-29085203-C-T.
Other names: c.1591G>A, p.Asp531Asn (NM_001005735.3); c.799G>A, p.Asp267Asn (NM_001257387.3); c.1261G>A, p.Asp421Asn (NM_001349956.3); c.1375G>A, p.Asp459Asn (NM_145862.3); short protein forms D488N, D421N, D531N, D267N, D459N.
Identifiers: ClinVar variation 279768 (VCV000279768.22), dbSNP rs886041173, ClinGen allele CA10603693.

ClinVar aggregate classification (germline): Conflicting classifications of pathogenicity. Review status: criteria provided, conflicting classifications (1 of 4 stars). 5 submissions from 5 submitters: Uncertain significance (4); Likely benign (1). Last evaluated 2025-09-22.

Conditions:
Familial cancer of breast. Also called: hereditary breast carcinoma; Hereditary breast cancer; BREAST CANCER, FAMILIAL. Identifiers: Orphanet 227535, MedGen C0346153, MONDO:0016419, OMIM 114480. Disease mechanism: loss of function.
Hereditary cancer-predisposing syndrome. Also called: Hereditary Cancer Syndrome; Tumor predisposition; Neoplastic Syndromes, Hereditary; Hereditary neoplastic syndrome. Identifiers: Orphanet 140162, MedGen C0027672, MeSH D009386, MONDO:0015356.

Allele frequency attached by ClinVar (database versions not stated): gnomAD exomes below 0.00001 and 0.00001; gnomAD 0.00001; TOPMed 0.00001.
gnomAD v4.1: 3 of 1,557,094 alleles (0.00019%); highest among the groups gnomAD compares: Admixed American, 0.0033%; no homozygotes.

Submissions (5):

Labcorp Genetics (formerly Invitae), Labcorp
Classification: Uncertain significance for Familial cancer of breast. Last evaluated: 2025-09-22. Review status: criteria provided, single submitter. Criteria: Invitae Variant Classification Sherloc (09022015). Collection method: clinical testing. Allele origin: germline.
Comment: This sequence change replaces aspartic acid, which is acidic and polar, with asparagine, which is neutral and polar, at codon 488 of the CHEK2 protein (p.Asp488Asn). This variant is present in population databases (no rsID available, gnomAD 0.01%). This missense change has been observed in individual(s) with breast and/or ovarian cancer (PMID: 30982232, 32068069). ClinVar contains an entry for this variant (Variation ID: 279768). An algorithm developed to predict the effect of missense changes on protein structure and function (PolyPhen-2) suggests that this variant is likely to be disruptive. In summary, the available evidence is currently insufficient to determine the role of this variant in disease. Therefore, it has been classified as a Variant of Uncertain Significance.

GeneDx
Classification: Uncertain significance. Last evaluated: 2024-11-14. Review status: criteria provided, single submitter. Criteria: GeneDx Variant Classification Process June 2021. Collection method: clinical testing. Allele origin: germline. Affected: yes.
Comment: In silico analysis supports that this missense variant has a deleterious effect on protein structure/function; Not observed at significant frequency in large population cohorts (gnomAD); This variant is associated with the following publications: (PMID: 22419737, 19782031, 32068069, 30982232, 33471991)

Ambry Genetics
Classification: Likely benign for Hereditary cancer-predisposing syndrome. Last evaluated: 2024-11-07. Review status: criteria provided, single submitter. Criteria: Ambry Variant Classification Scheme 2023. Collection method: clinical testing. Allele origin: germline.

Women's Health and Genetics/Laboratory Corporation of America, LabCorp
Classification: Uncertain significance. Last evaluated: 2023-05-01. Review status: criteria provided, single submitter. Criteria: LabCorp Variant Classification Summary - May 2015. Collection method: clinical testing. Allele origin: germline.
Comment: Variant summary: CHEK2 c.1462G>A (p.Asp488Asn) results in a conservative amino acid change in the encoded protein sequence. Three of five in-silico tools predict a damaging effect of the variant on protein function. 4/4 computational tools predict no significant impact on normal splicing. However, these predictions have yet to be confirmed by functional studies. The variant allele was found at a frequency of 8.6e-06 in 233416 control chromosomes (gnomAD). The available data on variant occurrences in the general population are insufficient to allow any conclusion about variant significance. c.1462G>A has been reported in the literature in individuals affected with Breast Cancer (e.g. Wang_2019, Kwong_2020, Dorling_2021). These reports do not provide unequivocal conclusions about association of the variant with Hereditary Breast And Ovarian Cancer Syndrome. To our knowledge, no experimental evidence demonstrating an impact on protein function has been reported. The following publications have been ascertained in the context of this evaluation (PMID: 32068069, 30982232, 33471991). Four ClinVar submitters have assessed the variant since 2014: all have classified the variant as uncertain significance. Based on the evidence outlined above, the variant was classified as uncertain significance.

Color Diagnostics, LLC DBA Color Health
Classification: Uncertain significance for Hereditary cancer-predisposing syndrome. Last evaluated: 2021-07-08. Review status: criteria provided, single submitter. Criteria: ACMG Guidelines, 2015. Collection method: clinical testing. Allele origin: germline.
Comment: This missense variant replaces aspartic acid with asparagine at codon 488 of the CHEK2 protein. Computational prediction suggests that this variant may not impact protein structure and function (internally defined REVEL score threshold <= 0.5, PMID: 27666373). To our knowledge, functional studies have not been reported for this variant. This variant has not been reported in individuals affected with hereditary cancer in the literature. This variant has been identified in 3/264824 chromosomes in the general population by the Genome Aggregation Database (gnomAD). The available evidence is insufficient to determine the role of this variant in disease conclusively. Therefore, this variant is classified as a Variant of Uncertain Significance.

Literature cited by the submitters: PubMed 30982232 (cited by 3 submitters); PubMed 32068069 (cited by 3 submitters); PubMed 33471991 (cited by Women's Health and Genetics/Laboratory Corporation of America, LabCorp).